The following is an entry in ClinVar:

ClinVar aggregate classification (germline): Benign/Likely benign. Review status: criteria provided, multiple submitters, no conflicts (2 of 4 stars). 3 submissions from 3 submitters: Benign (1); Likely benign (1). 1 of the submissions does not count toward it. Last evaluated 2026-05-01.

Conditions:
Inborn genetic diseases. Identifiers: MedGen C0950123, MeSH D030342.
SPEN-related disorder. Also called: SPEN-related condition.

Allele frequency attached by ClinVar (database versions not stated): ExAC 0.00073; gnomAD exomes 0.00077; 1000 Genomes Project 0.00100; 1000 Genomes Project 30x 0.00125; gnomAD 0.00157; TOPMed 0.00170; ESP Exome Variant Server 0.00177.
gnomAD v4.1: 1,360 of 1,609,614 alleles (0.084%); highest among the groups gnomAD compares: African/African-American, 0.41%; 3 homozygotes.

Submissions (3):

CeGaT Center for Human Genetics Tuebingen
Classification: Likely benign. Last evaluated: 2026-05-01. Review status: criteria provided, single submitter. Criteria: CeGaT Center For Human Genetics Tuebingen Variant Classification Criteria Version 2. Collection method: clinical testing. Allele origin: germline. Affected: yes. Observed: 5 variant alleles.
Comment: SPEN: BP4, BS1

Ambry Genetics
Classification: Benign for Inborn genetic diseases. Last evaluated: 2022-03-09. Review status: criteria provided, single submitter. Criteria: Ambry Variant Classification Scheme 2023. Collection method: clinical testing. Allele origin: germline.

PreventionGenetics, part of Exact Sciences
Classification: Likely benign for SPEN-related condition. Last evaluated: 2023-01-13. Review status: no assertion criteria provided. Collection method: clinical testing. Allele origin: germline. Not counted in ClinVar's aggregate classification.
Comment: This variant is classified as likely benign based on ACMG/AMP sequence variant interpretation guidelines (Richards et al. 2015 PMID: 25741868, with internal and published modifications).

NM_015001.3(SPEN):c.6067G>A (p.Val2023Met)

Gene: SPEN (spen family transcriptional repressor; plus strand). Cytogenetic location: 1p36.13.
Variant type: single nucleotide variant.
Coding change: c.6067G>A on transcript NM_015001.3 (MANE Select); coding-DNA position 6067, G replaced by A.
Protein change: p.Val2023Met; replaces valine 2023 with methionine.
Molecular consequence: missense variant.
Genome position (GRCh38, 1-based): chr1:15,932,307, G>A. VCF-style: chr1-15932307-G-A. GRCh37 (hg19) VCF-style: chr1-16258802-G-A.
Other names: short protein forms V2023M.
Identifiers: ClinVar variation 2212348 (VCV002212348.27), dbSNP rs115691599, ClinGen allele CA619855.